The following is an entry in ClinVar:

NM_001267550.2(TTN):c.55029G>A (p.Arg18343=)

Genes: TTN (titin; minus strand), TTN-AS1 (TTN antisense RNA 1; plus strand). Cytogenetic location: 2q31.2.
Variant type: single nucleotide variant.
Coding change: c.55029G>A on transcript NM_001267550.2 (MANE Select); coding-DNA position 55029, G replaced by A.
Protein change: p.Arg18343=; no amino-acid change (arginine 18343 retained).
Molecular consequence: synonymous variant.
Genome position (GRCh38, 1-based): chr2:178,602,373, C>T on the plus strand (G>A on the coding strand, the complement: TTN is on the minus strand). VCF-style: chr2-178602373-C-T. GRCh37 (hg19) VCF-style: chr2-179467100-C-T.
Other names: p.R15775R:AGG>AGA; p.Arg16702=; c.50106G>A, p.Arg16702= (NM_001256850.1); c.27834G>A, p.Arg9278= (NM_003319.4); c.47325G>A, p.Arg15775= (NM_133378.4); c.28209G>A, p.Arg9403= (NM_133432.3); c.28410G>A, p.Arg9470= (NM_133437.4).
Identifiers: ClinVar variation 47099 (VCV000047099.81), dbSNP rs62178963, ClinGen allele CA283448.
Genomic context (GRCh38, chr2:178,602,373, plus strand): 5'-TGTATCACTTGGTTCAGATTCACCAGCTTCATTGACAGCTTTCACTCTGAATCTGTACTT[C>T]CTGAGCTCTTTCAGATTAGGCACCACACATTCACAGGTAGTTATAAGTTTGTCTGGTTCA-3'
Protein context (NP_001254479.2, residues 18333-18353): ECVVPNLKEL[Arg18343=]KYRFRVKAVN

ClinVar aggregate classification (germline): Benign/Likely benign. Review status: criteria provided, multiple submitters, no conflicts (2 of 4 stars). 30 submissions from 23 submitters: Benign (18); Likely benign (6). 6 of the submissions do not count toward it. Last evaluated 2026-09-01.

Conditions:
Cardiovascular phenotype. Identifiers: MedGen CN230736.
Dilated cardiomyopathy 1G (CMD1G). Identifiers: Orphanet 154, MedGen C1858763, MONDO:0011400, OMIM 604145.
Autosomal recessive limb-girdle muscular dystrophy type 2J (LGMDR10). Also called: MUSCULAR DYSTROPHY, LIMB-GIRDLE, AUTOSOMAL RECESSIVE 10; Limb-girdle muscular dystrophy, type 2J. Identifiers: Orphanet 140922, MedGen C1837342, MONDO:0012127, OMIM 608807.
Cardiomyopathy (CMYO). Also called: Cardiomyopathies. Identifiers: Orphanet 167848, MedGen C0878544, MONDO:0004994, HP:0001638. Inheritance: Various modes of inheritance.
Early-onset myopathy with fatal cardiomyopathy (CMYO5). Also called: CONGENITAL MYOPATHY 5 WITH CARDIOMYOPATHY; Salih Myopathy. Identifiers: Orphanet 289377, MedGen C2673677, MONDO:0012714, OMIM 611705. Disease mechanism: loss of function.
Myopathy, myofibrillar, 9, with early respiratory failure (MFM9). Also called: Myopathy, distal, with early respiratory failure, autosomal dominant; Hereditary myopathy with early respiratory failure; MYOPATHY, PROXIMAL, WITH EARLY RESPIRATORY MUSCLE INVOLVEMENT; EDSTROM MYOPATHY. Identifiers: Orphanet 178464, Orphanet 34521, MedGen C1863599, MONDO:0011362, OMIM 603689.
Tibial muscular dystrophy (TMD). Also called: Udd Distal Myopathy – Tibial Muscular Dystrophy; Tibial muscular dystrophy, tardive; UDD MYOPATHY. Identifiers: Orphanet 609, MedGen C1838244, MONDO:0010870, OMIM 600334.

Allele frequency attached by ClinVar (database versions not stated): 1000 Genomes Project 0.00180; gnomAD exomes 0.01038 and 0.00712; ExAC 0.00704; gnomAD 0.00853 and 0.00915; ESP Exome Variant Server 0.01050; 1000 Genomes Project 30x 0.00203; TOPMed 0.00775.
gnomAD v4.1: 16,321 of 1,612,836 alleles (1%); highest among the groups gnomAD compares: Non-Finnish European, 1.2%; 102 homozygotes.

Submissions 1 to 18 of 30:

CeGaT Center for Human Genetics Tuebingen
Classification: Benign. Last evaluated: 2026-09-01. Review status: criteria provided, single submitter. Criteria: CeGaT Center For Human Genetics Tuebingen Variant Classification Criteria Version 2. Collection method: clinical testing. Allele origin: germline. Affected: yes. Observed: 76 variant alleles.
Comment: TTN: BP4, BP7, BS1, BS2

Labcorp Genetics (formerly Invitae), Labcorp
Classification: Benign for Dilated cardiomyopathy 1G; Autosomal recessive limb-girdle muscular dystrophy type 2J. Last evaluated: 2026-02-02. Review status: criteria provided, single submitter. Criteria: Invitae Variant Classification Sherloc (09022015). Collection method: clinical testing. Allele origin: germline.

Molecular Diagnostic Laboratory for Inherited Cardiovascular Disease, Montreal Heart Institute
Classification: Benign. Last evaluated: 2025-04-09. Review status: criteria provided, single submitter. Criteria: ACMG Guidelines, 2015. Collection method: clinical testing. Allele origin: germline. Affected: no.

ARUP Laboratories, Molecular Genetics and Genomics, ARUP Laboratories
Classification: Benign. Last evaluated: 2025-03-05. Review status: criteria provided, single submitter. Criteria: ARUP Molecular Germline Variant Investigation Process 2024. Collection method: clinical testing. Allele origin: germline.

Blueprint Genetics
Classification: Likely benign. Last evaluated: 2024-11-22. Review status: criteria provided, single submitter. Criteria: ACMG Guidelines, 2015. Collection method: clinical testing. Allele origin: germline.

Athena Diagnostics
Classification: Benign. Last evaluated: 2023-12-07. Review status: criteria provided, single submitter. Criteria: Athena Diagnostics Criteria. Collection method: clinical testing. Allele origin: unknown.

Mayo Clinic Laboratories, Mayo Clinic
Classification: Benign. Last evaluated: 2022-08-23. Review status: criteria provided, single submitter. Criteria: ACMG Guidelines, 2015. Collection method: clinical testing. Allele origin: germline. Observed: 51 variant alleles.
Comment: BS1, BS2, BP4, BP7

Genome-Nilou Lab
Classification: Benign for Autosomal recessive limb-girdle muscular dystrophy type 2J. Last evaluated: 2021-09-10. Review status: criteria provided, single submitter. Criteria: ACMG Guidelines, 2015. Collection method: clinical testing. Allele origin: germline. Affected: no.

Genome-Nilou Lab
Classification: Benign for Myopathy, myofibrillar, 9, with early respiratory failure. Last evaluated: 2021-09-10. Review status: criteria provided, single submitter. Criteria: ACMG Guidelines, 2015. Collection method: clinical testing. Allele origin: germline. Affected: no.

Genome-Nilou Lab
Classification: Benign for Early-onset myopathy with fatal cardiomyopathy. Last evaluated: 2021-09-10. Review status: criteria provided, single submitter. Criteria: ACMG Guidelines, 2015. Collection method: clinical testing. Allele origin: germline. Affected: no.

Genome-Nilou Lab
Classification: Benign for Tibial muscular dystrophy. Last evaluated: 2021-09-10. Review status: criteria provided, single submitter. Criteria: ACMG Guidelines, 2015. Collection method: clinical testing. Allele origin: germline. Affected: no.

Women's Health and Genetics/Laboratory Corporation of America, LabCorp
Classification: Benign. Last evaluated: 2019-10-30. Review status: criteria provided, single submitter. Criteria: LabCorp Variant Classification Summary - May 2015. Collection method: clinical testing. Allele origin: germline.
Comment: Variant summary: TTN c.47325G>A alters a non-conserved nucleotide resulting in a synonymous change. 5/5 computational tools predict no significant impact on normal splicing. However, these predictions have yet to be confirmed by functional studies. The variant allele was found at a frequency of 0.0071 in 248232 control chromosomes, predominantly at a frequency of 0.012 within the Non-Finnish European subpopulation in the gnomAD database, including 8 homozygotes. The observed variant frequency within Non-Finnish European control individuals in the gnomAD database is approximately 19 fold of the estimated maximal expected allele frequency for a pathogenic variant in TTN causing Cardiomyopathy phenotype (0.00063), strongly suggesting that the variant is a benign polymorphism found primarily in populations of Non-Finnish European origin. To our knowledge, no occurrence of c.47325G>A in individuals affected with Cardiomyopathy and no experimental evidence demonstrating its impact on protein function have been reported. Four ClinVar submitters (evaluation after 2014) cite this variant as benign (x3) and uncertain significance (x1). Based on the evidence outlined above, the variant was classified as benign.

Illumina Laboratory Services, Illumina
Classification: Benign for Tibial muscular dystrophy. Last evaluated: 2018-01-13. Review status: criteria provided, single submitter. Criteria: ICSL Variant Classification Criteria 13 December 2019. Collection method: clinical testing. Allele origin: germline.
Comment: This variant was observed in the ICSL laboratory as part of a predisposition screen in an ostensibly healthy population. It had not been previously curated by ICSL or reported in the Human Gene Mutation Database (HGMD: prior to June 1st, 2018), and was therefore a candidate for classification through an automated scoring system. Utilizing variant allele frequency, disease prevalence and penetrance estimates, and inheritance mode, an automated score was calculated to assess if this variant is too frequent to cause the disease. Based on the score and internal cut-off values, a variant classified as benign is not then subjected to further curation. The score for this variant resulted in a classification of benign for this disease.

Illumina Laboratory Services, Illumina
Classification: Likely benign for Autosomal recessive limb-girdle muscular dystrophy type 2J. Last evaluated: 2018-01-13. Review status: criteria provided, single submitter. Criteria: ICSL Variant Classification Criteria 13 December 2019. Collection method: clinical testing. Allele origin: germline.
Comment: This variant was observed in the ICSL laboratory as part of a predisposition screen in an ostensibly healthy population. It had not been previously curated by ICSL or reported in the Human Gene Mutation Database (HGMD: prior to June 1st, 2018), and was therefore a candidate for classification through an automated scoring system. Utilizing variant allele frequency, disease prevalence and penetrance estimates, and inheritance mode, an automated score was calculated to assess if this variant is too frequent to cause the disease. Based on the score and internal cut-off values, a variant classified as likely benign is not then subjected to further curation. The score for this variant resulted in a classification of likely benign for this disease.

Illumina Laboratory Services, Illumina
Classification: Likely benign for Dilated cardiomyopathy 1G. Last evaluated: 2018-01-13. Review status: criteria provided, single submitter. Criteria: ICSL Variant Classification Criteria 13 December 2019. Collection method: clinical testing. Allele origin: germline.
Comment: the same text as in the submission from Illumina Laboratory Services, Illumina above.

Illumina Laboratory Services, Illumina
Classification: Benign for Myopathy, myofibrillar, 9, with early respiratory failure. Last evaluated: 2018-01-13. Review status: criteria provided, single submitter. Criteria: ICSL Variant Classification Criteria 13 December 2019. Collection method: clinical testing. Allele origin: germline.
Comment: the same text as in the submission from Illumina Laboratory Services, Illumina above.

Illumina Laboratory Services, Illumina
Classification: Likely benign for Early-onset myopathy with fatal cardiomyopathy. Last evaluated: 2018-01-13. Review status: criteria provided, single submitter. Criteria: ICSL Variant Classification Criteria 13 December 2019. Collection method: clinical testing. Allele origin: germline.
Comment: the same text as in the submission from Illumina Laboratory Services, Illumina above.

CHEO Genetics Diagnostic Laboratory, Children's Hospital of Eastern Ontario
Classification: Benign for Cardiomyopathy. Last evaluated: 2017-04-25. Review status: criteria provided, single submitter. Criteria: ACMG Guidelines, 2015. Collection method: clinical testing. Allele origin: germline. Study: Canadian Open Genetics Repository.